The following is an entry in ClinVar:

ClinVar aggregate classification (germline): Likely pathogenic (1 of 4 stars; one submission).

Allele frequency attached by ClinVar (database versions not stated): TOPMed below 0.00001.
gnomAD v4.1: 1 of 1,613,524 alleles (0.000062%); highest among the groups gnomAD compares: African/African-American, 0.0013%; no homozygotes.

Submission:

Labcorp Genetics (formerly Invitae), Labcorp
Classification: Likely pathogenic. Last evaluated: 2025-07-27. Review status: criteria provided, single submitter. Criteria: Invitae Variant Classification Sherloc (09022015). Collection method: clinical testing. Allele origin: germline.
Comment: This sequence change affects a donor splice site in intron 19 of the HPS5 gene. It is expected to disrupt RNA splicing. Variants that disrupt the donor or acceptor splice site typically lead to a loss of protein function (PMID: 16199547), and loss-of-function variants in HPS5 are known to be pathogenic (PMID: 12548288, 15296495, 21833017, 26785811). This variant is not present in population databases (gnomAD no frequency). This variant has not been reported in the literature in individuals affected with HPS5-related conditions. ClinVar contains an entry for this variant (Variation ID: 3002512). Algorithms developed to predict the effect of sequence changes on RNA splicing suggest that this variant may disrupt the consensus splice site. In summary, the currently available evidence indicates that the variant is pathogenic, but additional data are needed to prove that conclusively. Therefore, this variant has been classified as Likely Pathogenic.

Literature cited by the submitters: PubMed 16199547; PubMed 12548288; PubMed 15296495; PubMed 21833017; PubMed 26785811.

NM_181507.2(HPS5):c.2837+1G>C

Gene: HPS5 (HPS5 biogenesis of lysosomal organelles complex 2 subunit 2; minus strand). Cytogenetic location: 11p15.1.
Variant type: single nucleotide variant.
Coding change: c.2837+1G>C on transcript NM_181507.2 (MANE Select); the canonical splice donor site of the intron after coding-DNA position 2837, G replaced by C.
Molecular consequence: splice donor variant. On other transcripts: intron variant (2).
Genome position (GRCh38, 1-based): chr11:18,286,590, C>G on the plus strand (G>C on the coding strand, the complement: HPS5 is on the minus strand). VCF-style: chr11-18286590-C-G. GRCh37 (hg19) VCF-style: chr11-18308137-C-G.
Other names: c.2837+1G>C (NM_001440902.1, NM_001440904.1, NM_001440906.1 and 2 more transcripts); c.2651+1G>C (NM_001440918.1); c.2762+1G>C (NM_001440908.1, NM_001440907.1, NM_001440909.1); c.2423+1G>C (NM_001440929.1, NM_001440928.1, NM_001440927.1); c.2495+1G>C (NM_181508.2, NM_001440921.1, NM_001440926.1 and 6 more transcripts); c.2726+1G>C (NM_001440915.1, NM_001440914.1, NM_001440913.1); c.1982+1G>C (NM_001440931.1); c.2681+1G>C (NM_001440917.1); and 3 more.
Identifiers: ClinVar variation 3002512 (VCV003002512.3), dbSNP rs1253458479, ClinGen allele CA379516315.